The following is an entry in ClinVar:

ClinVar aggregate classification (germline): Uncertain significance. Review status: criteria provided, multiple submitters, no conflicts (2 of 4 stars). 2 submissions from 2 submitters: Uncertain significance (2). Last evaluated 2025-12-08.

Conditions:
Hereditary cancer-predisposing syndrome. Also called: Tumor predisposition; Hereditary neoplastic syndrome; Neoplastic Syndromes, Hereditary; Hereditary Cancer Syndrome. Identifiers: Orphanet 140162, MedGen C0027672, MeSH D009386, MONDO:0015356.
Gastrointestinal stromal tumor. Also called: Gastrointestinal stroma tumor; Gastrointestinal stromal tumor, somatic. Identifiers: Orphanet 44890, MedGen C0238198, MeSH D046152, MONDO:0011719, OMIM 606764, HP:0100723.

Allele frequency attached by ClinVar (database versions not stated): gnomAD exomes below 0.00001.
gnomAD v4.1: 6 of 1,613,944 alleles (0.00037%); highest among the groups gnomAD compares: Non-Finnish European, 0.00051%; no homozygotes.

Submissions (2):

Ambry Genetics
Classification: Uncertain significance for Hereditary cancer-predisposing syndrome. Last evaluated: 2025-12-08. Review status: criteria provided, single submitter. Criteria: Ambry Variant Classification Scheme 2023. Collection method: clinical testing. Allele origin: germline.
Comment: The p.V242M variant (also known as c.724G>A), located in coding exon 4 of the KIT gene, results from a G to A substitution at nucleotide position 724. The valine at codon 242 is replaced by methionine, an amino acid with highly similar properties. This amino acid position is conserved. In addition, this alteration is predicted to be tolerated by in silico analysis. Since supporting evidence is limited at this time, the clinical significance of this alteration remains unclear.

Labcorp Genetics (formerly Invitae), Labcorp
Classification: Uncertain significance for Gastrointestinal stromal tumor. Last evaluated: 2021-06-17. Review status: criteria provided, single submitter. Criteria: Invitae Variant Classification Sherloc (09022015). Collection method: clinical testing. Allele origin: germline.
Comment: In summary, the available evidence is currently insufficient to determine the role of this variant in disease. Therefore, it has been classified as a Variant of Uncertain Significance. Algorithms developed to predict the effect of missense changes on protein structure and function do not agree on the potential impact of this missense change (SIFT: "Deleterious"; PolyPhen-2: "Probably Damaging"; Align-GVGD: "Class C0"). This variant has not been reported in the literature in individuals with KIT-related disease. This variant is not present in population databases (ExAC no frequency). This sequence change replaces valine with methionine at codon 242 of the KIT protein (p.Val242Met). The valine residue is highly conserved and there is a small physicochemical difference between valine and methionine.

NM_000222.3(KIT):c.724G>A (p.Val242Met)

Gene: KIT (KIT proto-oncogene, receptor tyrosine kinase; plus strand). Cytogenetic location: 4q12.
Variant type: single nucleotide variant.
Coding change: c.724G>A on transcript NM_000222.3 (MANE Select); coding-DNA position 724, G replaced by A.
Protein change: p.Val242Met; replaces valine 242 with methionine.
Molecular consequence: missense variant.
Genome position (GRCh38, 1-based): chr4:54,699,734, G>A. VCF-style: chr4-54699734-G-A. GRCh37 (hg19) VCF-style: chr4-55565900-G-A.
Other names: c.724G>A, p.Val242Met (NM_001093772.2, NM_001385284.1, NM_001385285.1 and 4 more transcripts); short protein forms V242M.
Identifiers: ClinVar variation 458962 (VCV000458962.11), dbSNP rs1553887944, ClinGen allele CA356898538.